The following is an entry in ClinVar:

NM_004380.3(CREBBP):c.850G>A (p.Gly284Arg)

Gene: CREBBP (CREB binding lysine acetyltransferase; minus strand). Cytogenetic location: 16p13.3.
Variant type: single nucleotide variant.
Coding change: c.850G>A on transcript NM_004380.3 (MANE Select); coding-DNA position 850, G replaced by A.
Protein change: p.Gly284Arg; replaces glycine 284 with arginine.
Molecular consequence: missense variant.
Genome position (GRCh38, 1-based): chr16:3,810,728, C>T on the plus strand (G>A on the coding strand, the complement: CREBBP is on the minus strand). VCF-style: chr16-3810728-C-T. GRCh37 (hg19) VCF-style: chr16-3860729-C-T.
Other names: c.850G>A, p.Gly284Arg (NM_001079846.1); short protein forms G284R.
Identifiers: ClinVar variation 4995169 (VCV004995169.1).
Genomic context (GRCh38, chr16:3,810,728, plus strand): 5'-CCATGCTCTGTTTGCTGGCTAACTGGGGGTTCACTCCAGTGGCTCCCATTGGCTGCCCTC[C>T]AGCTTGACTAAAGGGCTGTCCAAATGGACTTGTGTTCCCAGTTATTCCCATCTGAAACAA-3'
Protein context (NP_004371.2, residues 274-294): SPFGQPFSQA[Gly284Arg]GQPMGATGVN

ClinVar aggregate classification (germline): Uncertain significance (1 of 4 stars; one submission).

Conditions:
CREBBP-related disorder. Also called: CREBBP-related disorders; CREBBP-related condition.

gnomAD v4.1: 2 of 1,613,794 alleles (0.00012%); highest among the groups gnomAD compares: African/African-American, 0.0013%; no homozygotes.

Submission:

PreventionGenetics, part of Exact Sciences
Classification: Uncertain significance for CREBBP-related condition. Last evaluated: 2026-05-14. Review status: criteria provided, single submitter. Criteria: ACMG Guidelines, 2015. Collection method: clinical testing. Allele origin: germline.
Comment: The CREBBP c.850G>A variant is predicted to result in the amino acid substitution p.Gly284Arg. To our knowledge, this variant has not been reported in the literature. This variant is reported in 0.0062% of alleles in individuals of African descent in gnomAD. At this time, the clinical significance of this variant is uncertain due to the absence of conclusive functional and genetic evidence.